The following is an entry in ClinVar:

NM_018075.5(ANO10):c.882C>G (p.Ile294Met)

Gene: ANO10 (anoctamin 10; minus strand). Cytogenetic location: 3p22.1.
Variant type: single nucleotide variant.
Coding change: c.882C>G on transcript NM_018075.5 (MANE Select); coding-DNA position 882, C replaced by G.
Protein change: p.Ile294Met; replaces isoleucine 294 with methionine.
Molecular consequence: missense variant. On other transcripts: intron variant (1).
Genome position (GRCh38, 1-based): chr3:43,576,972, G>C on the plus strand (C>G on the coding strand, the complement: ANO10 is on the minus strand). VCF-style: chr3-43576972-G-C. GRCh37 (hg19) VCF-style: chr3-43618464-G-C.
Other names: c.882C>G, p.Ile294Met (NM_001204831.3, NM_001346463.2, NM_001346464.2 and 3 more transcripts); c.684C>G, p.Ile228Met (NM_001204832.3, NM_001346466.2, NM_001346469.2); c.549C>G, p.Ile183Met (NM_001204833.3); c.593-2108C>G (NM_001204834.3); short protein forms I228M, I294M, I183M.
Identifiers: ClinVar variation 1028084 (VCV001028084.1), dbSNP rs2081034644, ClinGen allele CA352343745.

ClinVar aggregate classification (germline): Uncertain significance (1 of 4 stars; one submission).

Conditions:
Autosomal recessive spinocerebellar ataxia 10. Identifiers: Orphanet 284289, MedGen C3150998, MONDO:0013392, OMIM 613728.

Submission:

Baylor Genetics
Classification: Uncertain significance for Autosomal recessive spinocerebellar ataxia 10. Last evaluated: 2019-08-23. Review status: criteria provided, single submitter. Criteria: ACMG Guidelines, 2015. Collection method: clinical testing. Allele origin: unknown. Affected: yes.
Comment: This variant was determined to be of uncertain significance according to ACMG Guidelines, 2015 [PMID:25741868].